The following is an entry in ClinVar:

NM_138694.4(PKHD1):c.11226A>G (p.Ala3742=)

Gene: PKHD1 (PKHD1 ciliary IPT domain containing fibrocystin/polyductin; minus strand). Cytogenetic location: 6p12.3.
Variant type: single nucleotide variant.
Coding change: c.11226A>G on transcript NM_138694.4 (MANE Select); coding-DNA position 11226, A replaced by G.
Protein change: p.Ala3742=; no amino-acid change (alanine 3742 retained).
Molecular consequence: synonymous variant.
Genome position (GRCh38, 1-based): chr6:51,649,169, T>C on the plus strand (A>G on the coding strand, the complement: PKHD1 is on the minus strand). VCF-style: chr6-51649169-T-C. GRCh37 (hg19) VCF-style: chr6-51513967-T-C.
Other names: c.11226A>G (NM_138694.3).
Identifiers: ClinVar variation 1126199 (VCV001126199.15), dbSNP rs770933024, ClinGen allele CA3850923.
Genomic context (GRCh38, chr6:51,649,169, plus strand): 5'-TGGCTGCACTGGAAGCTCATTTCCCACTTCTCCATCTGAAGGCTGGACTAGGATGGAAAG[T>C]GCATAGGGCCGAATATATATCAAGTTCCCAGTTTTAAAACTGCTTGTATTTCTGACAGAT-3'
Protein context (NP_619639.3, residues 3732-3752): TGNLIYIRPY[Ala3742=]LSILVQPSDG

ClinVar aggregate classification (germline): Likely benign. Review status: criteria provided, multiple submitters, no conflicts (2 of 4 stars). 3 submissions from 3 submitters: Likely benign (2). 1 of the submissions does not count toward it. Last evaluated 2025-12-14.

Conditions:
PKHD1-related disorder. Also called: PKHD1-related condition.
Autosomal recessive polycystic kidney disease (ARPKD). Also called: AR polycystic kidney disease. Identifiers: Orphanet 731, Orphanet 8378, MedGen C0085548, MeSH D017044, MONDO:0009889.

Allele frequency attached by ClinVar (database versions not stated): gnomAD 0.00003 and 0.00004; gnomAD exomes 0.00003 and 0.00004; ExAC 0.00004; TOPMed 0.00004.
gnomAD v4.1: 44 of 1,611,630 alleles (0.0027%); highest among the groups gnomAD compares: Middle Eastern, 0.016%; no homozygotes.

Submissions (3):

Labcorp Genetics (formerly Invitae), Labcorp
Classification: Likely benign for Autosomal recessive polycystic kidney disease. Last evaluated: 2025-12-14. Review status: criteria provided, single submitter. Criteria: Invitae Variant Classification Sherloc (09022015). Collection method: clinical testing. Allele origin: germline.

PreventionGenetics, part of Exact Sciences
Classification: Likely benign for PKHD1-related condition. Last evaluated: 2025-09-04. Review status: criteria provided, single submitter. Criteria: ACMG Guidelines, 2015. Collection method: clinical testing. Allele origin: germline.
Comment: This variant is classified as likely benign based on ACMG/AMP sequence variant interpretation guidelines (Richards et al. 2015 PMID: 25741868, with internal and published modifications).

Natera, Inc.
Classification: Likely benign for Autosomal recessive polycystic kidney disease. Last evaluated: 2019-03-31. Review status: no assertion criteria provided. Collection method: clinical testing. Allele origin: germline. Not counted in ClinVar's aggregate classification.